The following is an entry in ClinVar:

NM_012330.4(KAT6B):c.1217G>A (p.Arg406Gln)

Gene: KAT6B (lysine acetyltransferase 6B; plus strand). Cytogenetic location: 10q22.2.
Variant type: single nucleotide variant.
Coding change: c.1217G>A on transcript NM_012330.4 (MANE Select); coding-DNA position 1217, G replaced by A.
Protein change: p.Arg406Gln; replaces arginine 406 with glutamine.
Molecular consequence: missense variant. On other transcripts: intron variant (11).
Genome position (GRCh38, 1-based): chr10:74,975,554, G>A. VCF-style: chr10-74975554-G-A. GRCh37 (hg19) VCF-style: chr10-76735312-G-A.
Other names: c.1217G>A, p.Arg406Gln (NM_001256468.2, NM_001370136.1, NM_001370137.1 and 1 more transcripts); c.1117+100G>A (NM_001370139.1, NM_001370140.1, NM_001370141.1 and 3 more transcripts); c.846+5779G>A (NM_001370133.1); c.193-3670G>A (NM_001370134.1); c.929-1762G>A (NM_001370143.1, NM_001370144.1); c.193-13465G>A (NM_001370135.1); short protein forms R406Q.
Identifiers: ClinVar variation 2068147 (VCV002068147.7), dbSNP rs781347759, ClinGen allele CA5564377.

ClinVar aggregate classification (germline): Uncertain significance. Review status: criteria provided, multiple submitters, no conflicts (2 of 4 stars). 2 submissions from 2 submitters: Uncertain significance (2). Last evaluated 2025-08-18.

Conditions:
Genitopatellar syndrome (GTPTS). Also called: Genitopatellar syndrome (GPS); ABSENT PATELLAE, SCROTAL HYPOPLASIA, RENAL ANOMALIES, FACIAL DYSMORPHISM, AND MENTAL RETARDATION. Identifiers: Orphanet 85201, MedGen C1853566, MONDO:0011640, OMIM 606170.

Allele frequency attached by ClinVar (database versions not stated): TOPMed below 0.00001; ExAC 0.00001; gnomAD 0.00001.
gnomAD v4.1: 71 of 1,613,734 alleles (0.0044%); highest among the groups gnomAD compares: Non-Finnish European, 0.0056%; no homozygotes.

Submissions (2):

Labcorp Genetics (formerly Invitae), Labcorp
Classification: Uncertain significance for Genitopatellar syndrome. Last evaluated: 2025-08-18. Review status: criteria provided, single submitter. Criteria: Invitae Variant Classification Sherloc (09022015). Collection method: clinical testing. Allele origin: germline.
Comment: This sequence change replaces arginine, which is basic and polar, with glutamine, which is neutral and polar, at codon 406 of the KAT6B protein (p.Arg406Gln). This variant is present in population databases (rs781347759, gnomAD 0.004%). This missense change has been observed in individual(s) with clinical features of KAT6B-related conditions (PMID: 36360262). ClinVar contains an entry for this variant (Variation ID: 2068147). An algorithm developed to predict the effect of missense changes on protein structure and function (PolyPhen-2) suggests that this variant is likely to be disruptive. In summary, the available evidence is currently insufficient to determine the role of this variant in disease. Therefore, it has been classified as a Variant of Uncertain Significance.

Revvity Omics, Revvity
Classification: Uncertain significance. Last evaluated: 2021-06-10. Review status: criteria provided, single submitter. Criteria: ACMG Guidelines, 2015. Collection method: clinical testing. Allele origin: germline.

Literature cited by the submitters: PubMed 36360262 (cited by Labcorp Genetics (formerly Invitae), Labcorp).